The following is an entry in ClinVar:

NM_001378454.1(ALMS1):c.5719C>T (p.Gln1907Ter)

Gene: ALMS1 (ALMS1 centrosome and basal body associated protein; plus strand). Cytogenetic location: 2p13.1.
Variant type: single nucleotide variant.
Coding change: c.5719C>T on transcript NM_001378454.1 (MANE Select); coding-DNA position 5719, C replaced by T.
Protein change: p.Gln1907Ter; replaces glutamine 1907 with a stop codon.
Molecular consequence: nonsense.
Genome position (GRCh38, 1-based): chr2:73,452,246, C>T. VCF-style: chr2-73452246-C-T. GRCh37 (hg19) VCF-style: chr2-73679373-C-T.
Other names: c.5722C>T, p.Gln1908Ter (NM_015120.4); short protein forms Q1907*, Q1908*.
Identifiers: ClinVar variation 3367206 (VCV003367206.2).
Genomic context (GRCh38, chr2:73,452,246, plus strand): 5'-GGGATACAAATAGCATCCTCTAGTTCCTACTCAAATAGAGAGAAGGCCAGTATTTTTCAT[C>T]AGCAGGAGTTGCCAGATGTTACTGAAGAAGCTTTAAATGTTTTTGTTGTTCCTGGACAAG-3'

ClinVar aggregate classification (germline): Pathogenic (1 of 4 stars; one submission).

Conditions:
Alstrom syndrome (ALMS). Identifiers: Orphanet 64, MedGen C0268425, MONDO:0008763, OMIM 203800.

Submission:

Molecular Diagnostics Lab, Nemours Children's Health, Delaware
Classification: Pathogenic for Alstrom syndrome. Last evaluated: 2021-08-05. Review status: criteria provided, single submitter. Criteria: ACMG Guidelines, 2015. Collection method: clinical testing. Allele origin: unknown. Inheritance: Autosomal recessive inheritance. Affected: no. Observed: 1 heterozygote.
Comment: This nonsense variant (c.5722C>T; p.Gln1908*) has not been reported in population databases (gnomAD) and has not been described in the literature.